The following is an entry in ClinVar:

NM_000133.4(F9):c.457G>A (p.Val153Met)

Gene: F9 (coagulation factor IX; plus strand). Cytogenetic location: Xq27.1.
Variant type: single nucleotide variant.
Coding change: c.457G>A on transcript NM_000133.4 (MANE Select); coding-DNA position 457, G replaced by A.
Protein change: p.Val153Met; replaces valine 153 with methionine.
Molecular consequence: missense variant.
Genome position (GRCh38, 1-based): chrX:139,548,428, G>A. VCF-style: chrX-139548428-G-A. GRCh37 (hg19) VCF-style: chrX-138630587-G-A.
Other names: c.343G>A, p.Val115Met (NM_001313913.2); short protein forms V115M, V153M.
Identifiers: ClinVar variation 2631132 (VCV002631132.3), dbSNP rs1927766998, ClinGen allele CA414439088.

ClinVar aggregate classification (germline): Likely pathogenic (0 of 4 stars; one submission).

Conditions:
F9-related disorder. Also called: F9-related condition.

Allele frequency attached by ClinVar (database versions not stated): gnomAD exomes below 0.00001.

Submission:

PreventionGenetics, part of Exact Sciences
Classification: Likely pathogenic for F9-related condition. Last evaluated: 2023-12-06. Review status: no assertion criteria provided. Collection method: clinical testing. Allele origin: germline.
Comment: The F9 c.457G>A variant is predicted to result in the amino acid substitution p.Val153Met. This variant also described using legacy nomenclature as p.Val107Met; has been reported in an individual with hemophilia B (Belvini et al. 2005. PubMed ID: 15921378). A missense variant and a silent variant in the same codon (c.458T>C, p.Val153Ala; c.459G>A p.Val153Val) have been reported in individuals with mild hemophilia B (Chen et al. 1991. PubMed ID: 2066105; Knobe et al. 2008. PubMed ID: 18459950; F9 database). This variant has not been reported in a large population database, indicating this variant is rare. This variant is interpreted as likely pathogenic.